The following is an entry in ClinVar:

NM_005097.4(LGI1):c.396A>T (p.Arg132Ser)

Gene: LGI1 (leucine rich glioma inactivated 1; plus strand). Cytogenetic location: 10q23.33.
Variant type: single nucleotide variant.
Coding change: c.396A>T on transcript NM_005097.4 (MANE Select); coding-DNA position 396, A replaced by T.
Protein change: p.Arg132Ser; replaces arginine 132 with serine.
Molecular consequence: missense variant. On other transcripts: intron variant (1).
Genome position (GRCh38, 1-based): chr10:93,777,582, A>T. VCF-style: chr10-93777582-A-T. GRCh37 (hg19) VCF-style: chr10-95537339-A-T.
Other names: c.396A>T, p.Arg132Ser (NM_001308275.2); c.288-12517A>T (NM_001308276.2); short protein forms R132S.
Identifiers: ClinVar variation 3370774 (VCV003370774.3).

ClinVar aggregate classification (germline): Uncertain significance. Review status: criteria provided, multiple submitters, no conflicts (2 of 4 stars). 2 submissions from 2 submitters: Uncertain significance (2). Last evaluated 2024-04-22.

Conditions:
Autosomal dominant epilepsy with auditory features. Identifiers: Orphanet 101046, MedGen C1838062, MONDO:0010898.

gnomAD v4.1: 1 of 1,613,536 alleles (0.000062%); highest among the groups gnomAD compares: African/African-American, 0.0013%; no homozygotes.

Submissions (2):

Labcorp Genetics (formerly Invitae), Labcorp
Classification: Uncertain significance for Autosomal dominant epilepsy with auditory features. Last evaluated: 2024-04-22. Review status: criteria provided, single submitter. Criteria: Invitae Variant Classification Sherloc (09022015). Collection method: clinical testing. Allele origin: germline.
Comment: This sequence change replaces arginine, which is basic and polar, with serine, which is neutral and polar, at codon 132 of the LGI1 protein (p.Arg132Ser). This variant is not present in population databases (gnomAD no frequency). This variant has not been reported in the literature in individuals affected with LGI1-related conditions. Advanced modeling of protein sequence and biophysical properties (such as structural, functional, and spatial information, amino acid conservation, physicochemical variation, residue mobility, and thermodynamic stability) performed at Invitae indicates that this missense variant is not expected to disrupt LGI1 protein function with a negative predictive value of 80%. In summary, the available evidence is currently insufficient to determine the role of this variant in disease. Therefore, it has been classified as a Variant of Uncertain Significance.

GeneDx
Classification: Uncertain significance. Last evaluated: 2024-03-10. Review status: criteria provided, single submitter. Criteria: GeneDx Variant Classification Process June 2021. Collection method: clinical testing. Allele origin: germline. Affected: yes.
Comment: Not observed at significant frequency in large population cohorts (gnomAD); In silico analysis supports that this missense variant does not alter protein structure/function; Has not been previously published as pathogenic or benign to our knowledge